The following is an entry in ClinVar:

NM_005591.4(MRE11):c.220A>G (p.Thr74Ala)

Gene: MRE11 (MRE11 double strand break repair nuclease; minus strand). Cytogenetic location: 11q21.
Variant type: single nucleotide variant.
Coding change: c.220A>G on transcript NM_005591.4 (MANE Select); coding-DNA position 220, A replaced by G.
Protein change: p.Thr74Ala; replaces threonine 74 with alanine.
Molecular consequence: missense variant. On other transcripts: 5 prime UTR variant (3).
Genome position (GRCh38, 1-based): chr11:94,486,018, T>C on the plus strand (A>G on the coding strand, the complement: MRE11 is on the minus strand). VCF-style: chr11-94486018-T-C. GRCh37 (hg19) VCF-style: chr11-94219184-T-C.
Other names: c.220A>G, p.Thr74Ala (NM_001440481.1, NM_001440482.1, NM_001440483.1 and 21 more transcripts); c.-245A>G (NM_001440485.1, NM_001440486.1, NM_001440487.1); c.145A>G, p.Thr49Ala (NM_001440471.1, NM_001440472.1, NM_001440479.1); short protein forms T49A, T74A.
Identifiers: ClinVar variation 4651225 (VCV004651225.1).

ClinVar aggregate classification (germline): Uncertain significance (1 of 4 stars; one submission).

Conditions:
Hereditary cancer-predisposing syndrome. Also called: Neoplastic Syndromes, Hereditary; Tumor predisposition; Hereditary Cancer Syndrome; Hereditary neoplastic syndrome. Identifiers: Orphanet 140162, MedGen C0027672, MeSH D009386, MONDO:0015356.

Submission:

Ambry Genetics
Classification: Uncertain significance for Hereditary cancer-predisposing syndrome. Last evaluated: 2025-12-14. Review status: criteria provided, single submitter. Criteria: Ambry Variant Classification Scheme 2023. Collection method: clinical testing. Allele origin: germline.
Comment: The p.T74A variant (also known as c.220A>G), located in coding exon 3 of the MRE11A gene, results from an A to G substitution at nucleotide position 220. The threonine at codon 74 is replaced by alanine, an amino acid with similar properties. This amino acid position is conserved. In addition, this alteration is predicted to be tolerated by in silico analysis. Based on the available evidence, the clinical significance of this variant remains unclear.